The following is an entry in ClinVar:

ClinVar aggregate classification (germline): Likely benign (1 of 4 stars; one submission).

Allele frequency attached by ClinVar (database versions not stated): gnomAD 0.00066; gnomAD exomes 0.00094; 1000 Genomes Project 30x 0.00109; 1000 Genomes Project 0.00120; ExAC 0.00144; TOPMed 0.00054.
gnomAD v4.1: 1,481 of 1,614,142 alleles (0.092%); highest among the groups gnomAD compares: South Asian, 0.7%; 8 homozygotes.

Submission:

CeGaT Center for Human Genetics Tuebingen
Classification: Likely benign. Last evaluated: 2022-05-01. Review status: criteria provided, single submitter. Criteria: CeGaT Center For Human Genetics Tuebingen Variant Classification Criteria Version 2. Collection method: clinical testing. Allele origin: germline. Affected: yes. Observed: 1 variant allele.
Comment: EIF2S3B: BP4, BP7

NM_001357734.3(EIF2S3B):c.405T>C (p.Cys135=)

Gene: EIF2S3B (eukaryotic translation initiation factor 2 subunit gamma B; plus strand). Cytogenetic location: 12p13.2.
Variant type: single nucleotide variant.
Coding change: c.405T>C on transcript NM_001357734.3 (MANE Select); coding-DNA position 405, T replaced by C.
Protein change: p.Cys135=; no amino-acid change (cysteine 135 retained).
Molecular consequence: synonymous variant.
Genome position (GRCh38, 1-based): chr12:10,506,307, T>C. VCF-style: chr12-10506307-T-C. GRCh37 (hg19) VCF-style: chr12-10658906-T-C.
Other names: c.405T>C, p.Cys135= (NM_001357731.1).
Identifiers: ClinVar variation 2642700 (VCV002642700.24), dbSNP rs201241803, ClinGen allele CA6446461.
Genomic context (GRCh38, chr12:10,506,307, plus strand): 5'-AGACATTCCAGGAACCAAAGGGAACTTCAGATTAGTCAGACATGTTTCCTTTGTTGACTG[T>C]CCTGGCCACGATATTTTGATGGCTACTATGCTGAACGGTGCAGCAGTGATGGATGCAGCT-3'
Protein context (NP_001344663.1, residues 125-145): RLVRHVSFVD[Cys135=]PGHDILMATM